The following is an entry in ClinVar:

ClinVar aggregate classification (germline): Benign. Review status: criteria provided, multiple submitters, no conflicts (2 of 4 stars). 3 submissions from 3 submitters: Benign (3). Last evaluated 2025-03-01.

Allele frequency attached by ClinVar (database versions not stated): 1000 Genomes Project 0.00220; 1000 Genomes Project 30x 0.00234; ExAC 0.00773; gnomAD 0.00798 and 0.00839; gnomAD exomes 0.00805 and 0.01079; TOPMed 0.00830; ESP Exome Variant Server 0.00908.

Submissions (3):

CeGaT Center for Human Genetics Tuebingen
Classification: Benign. Last evaluated: 2025-03-01. Review status: criteria provided, single submitter. Criteria: CeGaT Center For Human Genetics Tuebingen Variant Classification Criteria Version 2. Collection method: clinical testing. Allele origin: germline. Affected: yes. Observed: 2 variant alleles.
Comment: DUOX1: BP4, BS1, BS2

Labcorp Genetics (formerly Invitae), Labcorp
Classification: Benign. Last evaluated: 2019-12-31. Review status: criteria provided, single submitter. Criteria: Invitae Variant Classification Sherloc (09022015). Collection method: clinical testing. Allele origin: germline.

Breakthrough Genomics
Classification: Benign. Review status: criteria provided, single submitter. Criteria: ACMG Guidelines, 2015. Collection method: not provided. Allele origin: germline. Inheritance: Unknown mechanism. Affected: yes.

NM_175940.3(DUOX1):c.4242T>C (p.Cys1414=)

Gene: DUOX1 (dual oxidase 1; plus strand). Cytogenetic location: 15q21.1.
Variant type: single nucleotide variant.
Coding change: c.4242T>C on transcript NM_175940.3 (MANE Select); coding-DNA position 4242, T replaced by C.
Protein change: p.Cys1414=; no amino-acid change (cysteine 1414 retained).
Molecular consequence: synonymous variant.
Genome position (GRCh38, 1-based): chr15:45,162,371, T>C. VCF-style: chr15-45162371-T-C. GRCh37 (hg19) VCF-style: chr15-45454569-T-C.
Other names: c.4242T>C, p.Cys1414= (NM_017434.5).
Identifiers: ClinVar variation 718755 (VCV000718755.29), dbSNP rs142608692, ClinGen allele CA7541498.